The following is an entry in ClinVar:

NM_001277313.2(FMN1):c.1225G>T (p.Val409Leu)

Gene: FMN1 (formin 1; minus strand). Cytogenetic location: 15q13.3.
Variant type: single nucleotide variant.
Coding change: c.1225G>T on transcript NM_001277313.2 (MANE Select); coding-DNA position 1225, G replaced by T.
Protein change: p.Val409Leu; replaces valine 409 with leucine.
Molecular consequence: missense variant.
Genome position (GRCh38, 1-based): chr15:33,153,690, C>A on the plus strand (G>T on the coding strand, the complement: FMN1 is on the minus strand). VCF-style: chr15-33153690-C-A. GRCh37 (hg19) VCF-style: chr15-33445891-C-A.
Other names: c.1225G>T (NM_001277313.1); c.1225G>T, p.Val409Leu (NM_001277314.2); short protein forms V409L.
Identifiers: ClinVar variation 2709168 (VCV002709168.4), dbSNP rs559170638, ClinGen allele CA7457537.

ClinVar aggregate classification (germline): Uncertain significance. Review status: criteria provided, multiple submitters, no conflicts (2 of 4 stars). 2 submissions from 2 submitters: Uncertain significance (2). Last evaluated 2026-05-11.

Conditions:
FMN1-related disorder. Also called: FMN1-related condition.

Allele frequency attached by ClinVar (database versions not stated): ExAC 0.00007; gnomAD 0.00015; TOPMed 0.00018; gnomAD exomes 0.00037; 1000 Genomes Project 30x 0.00047.

Submissions (2):

PreventionGenetics, part of Exact Sciences
Classification: Uncertain significance for FMN1-related condition. Last evaluated: 2026-05-11. Review status: criteria provided, single submitter. Criteria: ACMG Guidelines, 2015. Collection method: clinical testing. Allele origin: germline.
Comment: The FMN1 c.1225G>T variant is predicted to result in the amino acid substitution p.Val409Leu. To our knowledge, this variant has not been reported in the literature. This variant is reported in 0.019% of alleles in individuals of European (Non-Finnish) descent in gnomAD. At this time, the clinical significance of this variant is uncertain due to the absence of conclusive functional and genetic evidence.

Labcorp Genetics (formerly Invitae), Labcorp
Classification: Uncertain significance. Last evaluated: 2024-04-29. Review status: criteria provided, single submitter. Criteria: Invitae Variant Classification Sherloc (09022015). Collection method: clinical testing. Allele origin: germline.
Comment: The FMN1 gene has multiple clinically relevant transcripts. This variant occurs in alternate transcript NM_001277314.1, and corresponds to NM_001103184.3:c.-85806G>T in the primary transcript. This sequence change replaces valine, which is neutral and non-polar, with leucine, which is neutral and non-polar, at codon 409 of the FMN1 protein (p.Val409Leu). This variant is present in population databases (rs559170638, gnomAD 0.02%). This variant has not been reported in the literature in individuals affected with FMN1-related conditions. Experimental studies and prediction algorithms are not available or were not evaluated, and the functional significance of this variant is currently unknown. In summary, the available evidence is currently insufficient to determine the role of this variant in disease. Therefore, it has been classified as a Variant of Uncertain Significance.